The following is an entry in ClinVar:

NM_002335.4(LRP5):c.1058G>A (p.Arg353Gln)

Gene: LRP5 (LDL receptor related protein 5; plus strand). Cytogenetic location: 11q13.2.
Variant type: single nucleotide variant.
Coding change: c.1058G>A on transcript NM_002335.4 (MANE Select); coding-DNA position 1058, G replaced by A.
Protein change: p.Arg353Gln; replaces arginine 353 with glutamine.
Molecular consequence: missense variant. On other transcripts: 5 prime UTR variant (1).
Genome position (GRCh38, 1-based): chr11:68,386,358, G>A. VCF-style: chr11-68386358-G-A. GRCh37 (hg19) VCF-style: chr11-68153826-G-A.
Other names: c.-708G>A (NM_001291902.2); c.1058G>A (NM_002335.2); short protein forms R353Q.
Identifiers: ClinVar variation 1299476 (VCV001299476.5), dbSNP rs2153153067, ClinGen allele CA381612147.

ClinVar aggregate classification (germline): Pathogenic/Likely pathogenic. Review status: criteria provided, multiple submitters, no conflicts (2 of 4 stars). 3 submissions from 3 submitters: Pathogenic (1); Likely pathogenic (2). Last evaluated 2025-06-12.

Conditions:
Osteoporosis with pseudoglioma (OPPG). Also called: osteoporosis-pseudoglioma syndrome. Identifiers: Orphanet 2788, MedGen C0432252, MONDO:0009820, OMIM 259770.

gnomAD v4.1: 7 of 1,613,334 alleles (0.00043%); highest among the groups gnomAD compares: South Asian, 0.0011%; no homozygotes.

Submissions (3):

GeneDx
Classification: Likely pathogenic. Last evaluated: 2025-06-12. Review status: criteria provided, single submitter. Criteria: GeneDx Variant Classification Process June 2021. Collection method: clinical testing. Allele origin: germline. Affected: yes.
Comment: Not observed at significant frequency in large population cohorts (gnomAD); In silico analysis suggests that this missense variant does not alter protein structure/function; This variant is associated with the following publications: (PMID: 30754200, 16355283, 17395706, 36018796, 31827910, 29181528, 16252235)

Labcorp Genetics (formerly Invitae), Labcorp
Classification: Pathogenic. Last evaluated: 2023-08-04. Review status: criteria provided, single submitter. Criteria: Invitae Variant Classification Sherloc (09022015). Collection method: clinical testing. Allele origin: germline.
Comment: For these reasons, this variant has been classified as Pathogenic. This variant disrupts the p.Arg353 amino acid residue in LRP5. Other variant(s) that disrupt this residue have been determined to be pathogenic (PMID: 33939331, 34860240). This suggests that this residue is clinically significant, and that variants that disrupt this residue are likely to be disease-causing. Advanced modeling of protein sequence and biophysical properties (such as structural, functional, and spatial information, amino acid conservation, physicochemical variation, residue mobility, and thermodynamic stability) performed at Invitae indicates that this missense variant is expected to disrupt LRP5 protein function. ClinVar contains an entry for this variant (Variation ID: 1299476). This missense change has been observed in individual(s) with autosomal recessive LRP5-related condition (PMID: 16252235, 29181528). In at least one individual the data is consistent with being in trans (on the opposite chromosome) from a pathogenic variant. This variant is not present in population databases (gnomAD no frequency). This sequence change replaces arginine, which is basic and polar, with glutamine, which is neutral and polar, at codon 353 of the LRP5 protein (p.Arg353Gln).

Breda Genetics srl
Classification: Likely pathogenic for Osteoporosis with pseudoglioma. Last evaluated: 2021-06-24. Review status: criteria provided, single submitter. Criteria: ACMG Guidelines, 2015. Collection method: clinical testing. Allele origin: germline. Inheritance: Autosomal recessive inheritance. Affected: no. Observed: 1 variant allele, 1 heterozygote.
Comment: The variant c.1058G>A (p.Arg353Gln) is reported as pathogenic in the Global Variome shared LOVD v.3.0 database. The variant is not reported in the dbSNP, gnomAD, or ClinVar databases. The nucleotide position is moderately conserved across 35 mammalian species (GERP RS: 3.81). In silico analysis mostly indicates that the variant might be damaging.

Literature cited by the submitters: PubMed 33939331 (cited by Labcorp Genetics (formerly Invitae), Labcorp); PubMed 34860240 (cited by Labcorp Genetics (formerly Invitae), Labcorp); PubMed 16252235 (cited by Labcorp Genetics (formerly Invitae), Labcorp); PubMed 29181528 (cited by Labcorp Genetics (formerly Invitae), Labcorp).